The following is an entry in ClinVar:

ClinVar aggregate classification (germline): Pathogenic. Review status: criteria provided, multiple submitters, no conflicts (2 of 4 stars). 13 submissions from 13 submitters: Pathogenic (12). 1 of the submissions does not count toward it. Last evaluated 2026-01-08.

Conditions:
ADSL-related disorder. Also called: ADSL-related condition.
Inborn genetic diseases. Identifiers: MedGen C0950123, MeSH D030342.
Adenylosuccinate lyase deficiency (ADSLD). Also called: ADSL DEFICIENCY. Identifiers: Orphanet 46, MedGen C0268126, MONDO:0007068, OMIM 103050.
Generalized myoclonic seizure. Also called: Generalized myoclonic seizures; Myoclonic seizures. Identifiers: MedGen C4021759, HP:0002123.
Severe global developmental delay. Also called: Severe psychomotor retardation. Identifiers: MedGen C1837397, HP:0011344.
Progressive neurologic deterioration. Identifiers: MedGen C1854838, HP:0002344.
Inability to walk. Identifiers: MedGen C0560046, HP:0002540.
Difficulty standing. Identifiers: MedGen C0241237, HP:0003698.

Allele frequency attached by ClinVar (database versions not stated): ExAC 0.00004; gnomAD exomes 0.00004 and 0.00010; ESP Exome Variant Server 0.00008; TOPMed 0.00008; gnomAD 0.00009.

Submissions (13):

Institute of Immunology and Genetics Kaiserslautern
Classification: Pathogenic for Adenylosuccinate lyase deficiency. Last evaluated: 2026-01-08. Review status: criteria provided, single submitter. Criteria: ACMG Guidelines, 2015. Collection method: clinical testing. Allele origin: maternal. Affected: yes.
Comment: ACMG Criteria: PS3, PS4, PM2_P, PM3, PM5_P, PP1, PP3; Variant was found in compound-heterozygous state with ADSL(NM_000026.4):c.176A>G in trans.

Labcorp Genetics (formerly Invitae), Labcorp
Classification: Pathogenic for Adenylosuccinate lyase deficiency. Last evaluated: 2025-07-13. Review status: criteria provided, single submitter. Criteria: Invitae Variant Classification Sherloc (09022015). Collection method: clinical testing. Allele origin: germline.
Comment: This sequence change replaces tyrosine, which is neutral and polar, with histidine, which is basic and polar, at codon 114 of the ADSL protein (p.Tyr114His). This variant is present in population databases (rs374259530, gnomAD 0.007%). This missense change has been observed in individual(s) with adenylosuccinate lyase deficiency (PMID: 10888601, 18524658, 20127976). ClinVar contains an entry for this variant (Variation ID: 204807). Invitae Evidence Modeling of protein sequence and biophysical properties (such as structural, functional, and spatial information, amino acid conservation, physicochemical variation, residue mobility, and thermodynamic stability) indicates that this missense variant is expected to disrupt ADSL protein function with a positive predictive value of 80%. Experimental studies have shown that this missense change affects ADSL function (PMID: 22180458). For these reasons, this variant has been classified as Pathogenic.

Blueprint Genetics
Classification: Pathogenic for ADSL-related disorders. Last evaluated: 2024-11-13. Review status: criteria provided, single submitter. Criteria: ACMG Guidelines, 2015. Collection method: clinical testing. Allele origin: germline. Affected: yes. Observed: 5 variant alleles.

Women's Health and Genetics/Laboratory Corporation of America, LabCorp
Classification: Pathogenic for Adenylosuccinate lyase deficiency. Last evaluated: 2024-05-22. Review status: criteria provided, single submitter. Criteria: LabCorp Variant Classification Summary - May 2015. Collection method: clinical testing. Allele origin: germline.
Comment: Variant summary: ADSL c.340T>C (p.Tyr114His) results in a conservative amino acid change located in the Fumarate lyase, N-terminal domain (IPR022761) of the encoded protein sequence. Four of five in-silico tools predict a damaging effect of the variant on protein function. The variant allele was found at a frequency of 3.6e-05 in 251242 control chromosomes. c.340T>C has been reported in the literature in individuals affected with Adenylosuccinate Lyase Deficiency (example, Zikanova_2010). These data indicate that the variant is likely to be associated with disease. At least one publication reports experimental evidence evaluating an impact on protein function. The most pronounced variant effect results in <10% of normal activity in vitro (Zikanova_2010). The following publication have been ascertained in the context of this evaluation (PMID: 20127976). ClinVar contains an entry for this variant (Variation ID: 204807). Based on the evidence outlined above, the variant was classified as pathogenic.

Department of Pathology and Laboratory Medicine, Sinai Health System
Classification: Pathogenic for adenylosuccinate lyase deficiency. Last evaluated: 2023-04-18. Review status: criteria provided, single submitter. Criteria: ACMG Guidelines, 2015. Collection method: research. Allele origin: germline.

GeneDx
Classification: Pathogenic. Last evaluated: 2022-01-24. Review status: criteria provided, single submitter. Criteria: GeneDx Variant Classification Process June 2021. Collection method: clinical testing. Allele origin: germline. Affected: yes.
Comment: Published functional studies demonstrate pronounced protein instability and significantly reduced or absent enzyme activity (Kmoch et al., 2000; Zikanova et al., 2010); In silico analysis supports that this missense variant has a deleterious effect on protein structure/function; Not observed at a significant frequency in large population cohorts (gnomAD); This variant is associated with the following publications: (PMID: 20127976, 22812634, 16839792, 10888601, 18524658, 29655203, 31467849, 31623504, 22180458, 31589614, 17188615, 33648541)

MGZ Medical Genetics Center
Classification: Pathogenic for Adenylosuccinate lyase deficiency. Last evaluated: 2021-08-04. Review status: criteria provided, single submitter. Criteria: ACMG Guidelines, 2015. Collection method: clinical testing. Allele origin: germline. Affected: yes. Observed: 1 variant allele.
Comment: ACMG criteria applied: PS3, PS4, PM3, PP3

Ambry Genetics
Classification: Pathogenic for Inborn genetic diseases. Last evaluated: 2021-06-17. Review status: criteria provided, single submitter. Criteria: Ambry Variant Classification Scheme 2023. Collection method: clinical testing. Allele origin: germline.
Comment: The c.340T>C (p.Y114H) alteration is located in exon 2 (coding exon 2) of the ADSL gene. This alteration results from a T to C substitution at nucleotide position 340, causing the tyrosine (Y) at amino acid position 114 to be replaced by a histidine (H). Based on data from the Genome Aggregation Database (gnomAD), the ADSL c.340T>C alteration was observed in 0.0035% (10/282644) of total alleles studied, with a frequency of 0.007% (9/128972) in the European (non-Finnish) subpopulation. This alteration has been reported in the compound heterozygous state with another ADSL alteration in several unrelated patients with clinical and biochemical features consistent with adenylosuccinase deficiency (Kmoch, 2000; Mouchegh, 2007; Jurecka, 2008; Mastrangelo, 2019). This amino acid position is well conserved in available vertebrate species. In vitro studies have demonstrated protein instability and significantly reduced or absent ADSL activity for the p.Y114H alteration (Kmoch, 2000; Jurecka, 2008; Zikanova, 2010). The p.Y114H alteration is predicted to be deleterious by in silico analysis. Based on the available evidence, this alteration is classified as pathogenic.

Fulgent Genetics
Classification: Pathogenic for Adenylosuccinate lyase deficiency. Last evaluated: 2018-10-31. Review status: criteria provided, single submitter. Criteria: ACMG Guidelines, 2015. Collection method: clinical testing. Allele origin: unknown.

CeGaT Center for Human Genetics Tuebingen
Classification: Pathogenic. Last evaluated: 2017-02-01. Review status: criteria provided, single submitter. Criteria: CeGaT Center For Human Genetics Tuebingen Variant Classification Criteria Version 2. Collection method: clinical testing. Allele origin: germline. Affected: yes. Observed: 1 variant allele.

Centre for Mendelian Genomics, University Medical Centre Ljubljana
Classification: Pathogenic for Difficulty standing; Generalized myoclonic seizure; Inability to walk; Progressive neurologic deterioration; Severe global developmental delay. Last evaluated: 2015-06-22. Review status: criteria provided, single submitter. Criteria: ACMG Guidelines, 2015. Collection method: clinical testing. Allele origin: unknown. Affected: yes.

Genetic Services Laboratory, University of Chicago
Classification: Pathogenic for Adenylosuccinase deficiency. Last evaluated: 2014-07-16. Review status: criteria provided, single submitter. Criteria: ACMG Guidelines, 2015. Collection method: clinical testing. Allele origin: germline. Affected: yes.

PreventionGenetics, part of Exact Sciences
Classification: Pathogenic for ADSL-related condition. Last evaluated: 2024-05-03. Review status: no assertion criteria provided. Collection method: clinical testing. Allele origin: germline. Not counted in ClinVar's aggregate classification.
Comment: The ADSL c.340T>C variant is predicted to result in the amino acid substitution p.Tyr114His. This variant has been reported in the compound heterozygous state in individuals with adenylosuccinate lyase (ADSL) deficiency (Kmoch et al. 2000. PubMed ID: 10888601; Jurecka et al. 2008. PubMed ID: 18524658). The Tyr114 residue is involved in the formation of the catalytic site and in vitro functional studies indicated that the substitution p.Tyr114His results in low residual activity (Zikanova et al. 2010. PubMed ID: 20127976). This variant is reported in 0.0070% of alleles in individuals of European (Non-Finnish) descent in gnomAD. This variant is interpreted as pathogenic.

Literature cited by the submitters: PubMed 10888601 (cited by Labcorp Genetics (formerly Invitae), Labcorp and Ambry Genetics); PubMed 18524658 (cited by Labcorp Genetics (formerly Invitae), Labcorp and Ambry Genetics); PubMed 20127976 (cited by 3 submitters); PubMed 22180458 (cited by Labcorp Genetics (formerly Invitae), Labcorp); PubMed 17188615 (cited by Ambry Genetics); PubMed 31467849 (cited by Ambry Genetics).

NM_000026.4(ADSL):c.340T>C (p.Tyr114His)

Gene: ADSL (adenylosuccinate lyase; plus strand). Cytogenetic location: 22q13.1.
Variant type: single nucleotide variant.
Coding change: c.340T>C on transcript NM_000026.4 (MANE Select); coding-DNA position 340, T replaced by C.
Protein change: p.Tyr114His; replaces tyrosine 114 with histidine.
Molecular consequence: missense variant. On other transcripts: non-coding transcript variant (1).
Genome position (GRCh38, 1-based): chr22:40,350,018, T>C. VCF-style: chr22-40350018-T-C. GRCh37 (hg19) VCF-style: chr22-40746022-T-C.
Other names: p.Y114H:TAT>CAT; c.340T>C (NM_000026.3); c.340T>C, p.Tyr114His (NM_001123378.3, NM_001363840.3); c.148T>C, p.Tyr50His (NM_001317923.2); short protein forms Y114H, Y50H.
Identifiers: ClinVar variation 204807 (VCV000204807.68), dbSNP rs374259530, ClinGen allele CA206321.
Genomic context (GRCh38, chr22:40,350,018, plus strand): 5'-ACATTTGGCCACTGCTGTCCAAAAGCTGCAGGCATTATTCACCTTGGTGCTACTTCTTGC[T>C]ATGTTGGAGACAATACTGTAGGCGCCTGTGTTGTTTATACTTAAAACTCAGTCTCTAGAA-3'
Protein context (NP_000017.1, residues 104-124): GIIHLGATSC[Tyr114His]VGDNTDLIIL